The following is an entry in ClinVar:

NM_001012301.4(ARSI):c.406C>T (p.Gln136Ter)

Gene: ARSI (arylsulfatase family member I; minus strand). Cytogenetic location: 5q32.
Variant type: single nucleotide variant.
Coding change: c.406C>T on transcript NM_001012301.4 (MANE Select); coding-DNA position 406, C replaced by T.
Protein change: p.Gln136Ter; replaces glutamine 136 with a stop codon.
Molecular consequence: nonsense.
Genome position (GRCh38, 1-based): chr5:150,298,518, G>A on the plus strand (C>T on the coding strand, the complement: ARSI is on the minus strand). VCF-style: chr5-150298518-G-A. GRCh37 (hg19) VCF-style: chr5-149678081-G-A.
Other names: short protein forms Q136*.
Identifiers: ClinVar variation 2418331 (VCV002418331.6), dbSNP rs1214230779, ClinGen allele CA361734936.

ClinVar aggregate classification (germline): Uncertain significance (1 of 4 stars; one submission).

Conditions:
Spastic paraplegia. Identifiers: MedGen C0037772, HP:0001258.

Allele frequency attached by ClinVar (database versions not stated): gnomAD exomes below 0.00001; TOPMed below 0.00001; gnomAD 0.00001.

Submission:

Labcorp Genetics (formerly Invitae), Labcorp
Classification: Uncertain significance for Spastic paraplegia. Last evaluated: 2022-03-26. Review status: criteria provided, single submitter. Criteria: Invitae Variant Classification Sherloc (09022015). Collection method: clinical testing. Allele origin: germline.
Comment: In summary, the available evidence is currently insufficient to determine the role of this variant in disease. Therefore, it has been classified as a Variant of Uncertain Significance. This variant has not been reported in the literature in individuals affected with ARSI-related conditions. This variant is not present in population databases (gnomAD no frequency). This sequence change creates a premature translational stop signal (p.Gln136*) in the ARSI gene. While this is not anticipated to result in nonsense mediated decay, it is expected to disrupt the last 434 amino acid(s) of the ARSI protein.